The following is an entry in ClinVar:

NM_004360.5(CDH1):c.760G>T (p.Asp254Tyr)

Gene: CDH1 (cadherin 1; plus strand). Cytogenetic location: 16q22.1.
Variant type: single nucleotide variant.
Coding change: c.760G>T on transcript NM_004360.5 (MANE Select); coding-DNA position 760, G replaced by T.
Protein change: p.Asp254Tyr; replaces aspartic acid 254 with tyrosine.
Molecular consequence: missense variant. On other transcripts: 5 prime UTR variant (2).
Genome position (GRCh38, 1-based): chr16:68,810,269, G>T. VCF-style: chr16-68810269-G-T. GRCh37 (hg19) VCF-style: chr16-68844172-G-T.
Other names: c.760G>T (LRG_301t1, NM_004360.4); c.760G>T, p.Asp254Tyr (NM_001317184.2); c.-856G>T (NM_001317185.2); c.-1060G>T (NM_001317186.2); short protein forms D254Y.
Identifiers: ClinVar variation 438813 (VCV000438813.3), dbSNP rs1555515445, ClinGen allele CA396458614.
Genomic context (GRCh38, chr16:68,810,269, plus strand): 5'-GCTGTGTCATCCAACGGGAATGCAGTTGAGGATCCAATGGAGATTTTGATCACGGTAACC[G>T]ATCAGAATGACAACAAGCCCGAATTCACCCAGGAGGTCTTTAAGGGGTCTGTCATGGAAG-3'
Protein context (NP_004351.1, residues 244-264): DPMEILITVT[Asp254Tyr]QNDNKPEFTQ

ClinVar aggregate classification (germline): Likely pathogenic. Review status: criteria provided, single submitter (1 of 4 stars). 2 submissions from 2 submitters: Likely pathogenic (1). 1 of the submissions does not count toward it. Last evaluated 2026-07-21.

Conditions:
CDH1-related disorder. Also called: CDH1-related condition.
Blepharocheilodontic syndrome 1 (BCDS1). Identifiers: Orphanet 1997, MedGen C4551988, MONDO:0054740, OMIM 119580.

Submissions (2):

PreventionGenetics, part of Exact Sciences
Classification: Likely pathogenic for CDH1-related condition. Last evaluated: 2026-07-21. Review status: criteria provided, single submitter. Criteria: ACMG Guidelines, 2015. Collection method: clinical testing. Allele origin: germline.
Comment: The CDH1 c.760G>T variant is predicted to result in the amino acid substitution p.Asp254Tyr. In vitro experimental studies in HEK293 cells demonstrated that this variant led to a complete loss of E-cadherin protein expression (Ghoumid et al. 2017. PubMed ID: 28301459). This variant has not been reported in a large population database (gnomAD), indicating this variant is rare, and is interpreted as pathogenic in ClinVar (Variation ID: 438813). An alternate missense variant of the same amino acid (p.Asp254Asn) has also been reported as both an inherited and de novo variant in individuals with nonsyndromic cleft lip/palate (Brito et al. 2015. PubMed ID: 26123647; Cox et al. 2018. PubMed ID: 29805042; Table S3, Bishop et al. 2020. PubMed ID: 32574564; Alvizi et al. 2023. PubMed ID: 37225711) and blepharocheilodontic syndrome (Kievit et al. 2018. PubMed ID: 29348693). Taken together, the p.Asp254Tyr variant is interpreted as likely pathogenic.

OMIM
Classification: Pathogenic for BLEPHAROCHEILODONTIC SYNDROME 1. Last evaluated: 2017-09-21. Review status: no assertion criteria provided. Collection method: literature only. Allele origin: germline. Not counted in ClinVar's aggregate classification.

Literature cited by the submitters: PubMed 28301459 (cited by OMIM).